The following is an entry in ClinVar:

NM_004797.4(ADIPOQ):c.191A>G (p.Glu64Gly)

Genes: ADIPOQ (adiponectin, C1Q and collagen domain containing; plus strand), ADIPOQ-AS1 (ADIPOQ antisense RNA 1; minus strand). Cytogenetic location: 3q27.3.
Variant type: single nucleotide variant.
Coding change: c.191A>G on transcript NM_004797.4 (MANE Select); coding-DNA position 191, A replaced by G.
Protein change: p.Glu64Gly; replaces glutamic acid 64 with glycine.
Molecular consequence: missense variant.
Genome position (GRCh38, 1-based): chr3:186,853,249, A>G. VCF-style: chr3-186853249-A-G. GRCh37 (hg19) VCF-style: chr3-186571038-A-G.
Other names: c.191A>G, p.Glu64Gly (NM_001177800.2); short protein forms E64G.
Identifiers: ClinVar variation 451856 (VCV000451856.2), dbSNP rs147185738, ClinGen allele CA2747929.

ClinVar aggregate classification (germline): Uncertain significance (1 of 4 stars; one submission).

Allele frequency attached by ClinVar (database versions not stated): gnomAD 0.00002 and 0.00003; gnomAD exomes 0.00003 and 0.00007; ExAC 0.00004; TOPMed 0.00005; ESP Exome Variant Server 0.00023.
gnomAD v4.1: 101 of 1,608,306 alleles (0.0063%); highest among the groups gnomAD compares: Non-Finnish European, 0.0082%; no homozygotes.

Submission:

GeneDx
Classification: Uncertain significance. Last evaluated: 2017-09-19. Review status: criteria provided, single submitter. Criteria: GeneDx Variant Classification (06012015). Collection method: clinical testing. Allele origin: germline. Affected: yes.
Comment: The E64G variant in the ADIPOQ gene has not been reported previously as a pathogenic variant, nor as a benign variant, to our knowledge. The E64G variant is observed in 3/39692 (0.007%) alleles from individuals of non-Finnish European background in the ExAC dataset (Lek et al., 2016). The E64G variant is a non-conservative amino acid substitution, which is likely to impact secondary protein structure as these residues differ in polarity, charge, size and/or other properties. This substitution occurs at a position that is conserved in mammals. In silico analysis predicts this variant is probably damaging to the protein structure/function. We interpret E64G as a variant of uncertain significance.